The following is an entry in ClinVar:

ClinVar aggregate classification (germline): Uncertain significance (1 of 4 stars; one submission).

Submission:

GeneDx
Classification: Uncertain significance. Last evaluated: 2023-02-06. Review status: criteria provided, single submitter. Criteria: GeneDx Variant Classification Process June 2021. Collection method: clinical testing. Allele origin: germline. Affected: yes.
Comment: Not observed at significant frequency in large population cohorts (gnomAD); In silico analysis supports that this missense variant does not alter protein structure/function; Has not been previously published as pathogenic or benign to our knowledge

NM_001161352.2(KCNMA1):c.1079C>T (p.Ala360Val)

Gene: KCNMA1 (potassium calcium-activated channel subfamily M alpha 1; minus strand). Cytogenetic location: 10q22.3.
Variant type: single nucleotide variant.
Coding change: c.1079C>T on transcript NM_001161352.2 (MANE Select); coding-DNA position 1079, C replaced by T.
Protein change: p.Ala360Val; replaces alanine 360 with valine.
Molecular consequence: missense variant.
Genome position (GRCh38, 1-based): chr10:77,110,225, G>A on the plus strand (C>T on the coding strand, the complement: KCNMA1 is on the minus strand). VCF-style: chr10-77110225-G-A. GRCh37 (hg19) VCF-style: chr10-78869983-G-A.
Other names: c.1079C>T, p.Ala360Val (NM_001014797.3, NM_001161353.2, NM_001271519.2 and 8 more transcripts); c.917C>T, p.Ala306Val (NM_001271518.2); c.539C>T, p.Ala180Val (NM_001322838.2); short protein forms A180V, A306V, A360V.
Identifiers: ClinVar variation 2574951 (VCV002574951.1), dbSNP rs2551147313, ClinGen allele CA377409099.